The following is an entry in ClinVar:

NM_004656.4(BAP1):c.1585A>C (p.Lys529Gln)

Gene: BAP1 (BRCA1 associated deubiquitinase 1; minus strand). Cytogenetic location: 3p21.1.
Variant type: single nucleotide variant.
Coding change: c.1585A>C on transcript NM_004656.4 (MANE Select); coding-DNA position 1585, A replaced by C.
Protein change: p.Lys529Gln; replaces lysine 529 with glutamine.
Molecular consequence: missense variant.
Genome position (GRCh38, 1-based): chr3:52,403,560, T>G on the plus strand (A>C on the coding strand, the complement: BAP1 is on the minus strand). VCF-style: chr3-52403560-T-G. GRCh37 (hg19) VCF-style: chr3-52437576-T-G.
Other names: c.1531A>C, p.Lys511Gln (NM_001410772.1); short protein forms K529Q, K511Q.
Identifiers: ClinVar variation 1775783 (VCV001775783.5), dbSNP rs2471327975, ClinGen allele CA353100555.

ClinVar aggregate classification (germline): Uncertain significance. Review status: criteria provided, multiple submitters, no conflicts (2 of 4 stars). 3 submissions from 3 submitters: Uncertain significance (3). Last evaluated 2025-12-29.

Conditions:
Hereditary cancer-predisposing syndrome. Also called: Neoplastic Syndromes, Hereditary; Tumor predisposition; Hereditary Cancer Syndrome; Hereditary neoplastic syndrome. Identifiers: Orphanet 140162, MedGen C0027672, MeSH D009386, MONDO:0015356.
BAP1-related tumor predisposition syndrome (TPDS1). Also called: BAP1 tumor predisposition syndrome; Tumor susceptibility linked to germline BAP1 mutations; COMMON Syndrome; TUMOR PREDISPOSITION SYNDROME 1. Identifiers: Orphanet 289539, MedGen C3280492, MONDO:0013692, OMIM 614327.

Submissions (3):

Center for Genomic Medicine, Rigshospitalet, Copenhagen University Hospital
Classification: Uncertain significance. Last evaluated: 2025-12-29. Review status: criteria provided, single submitter. Criteria: ACMG Guidelines, 2015. Collection method: clinical testing. Allele origin: germline.

Labcorp Genetics (formerly Invitae), Labcorp
Classification: Uncertain significance for BAP1-related tumor predisposition syndrome. Last evaluated: 2025-02-03. Review status: criteria provided, single submitter. Criteria: Invitae Variant Classification Sherloc (09022015). Collection method: clinical testing. Allele origin: germline.
Comment: This sequence change replaces lysine, which is basic and polar, with glutamine, which is neutral and polar, at codon 529 of the BAP1 protein (p.Lys529Gln). This variant is not present in population databases (gnomAD no frequency). This variant has not been reported in the literature in individuals affected with BAP1-related conditions. ClinVar contains an entry for this variant (Variation ID: 1775783). Invitae Evidence Modeling of protein sequence and biophysical properties (such as structural, functional, and spatial information, amino acid conservation, physicochemical variation, residue mobility, and thermodynamic stability) indicates that this missense variant is not expected to disrupt BAP1 protein function with a negative predictive value of 80%. Algorithms developed to predict the effect of sequence changes on RNA splicing suggest that this variant may create or strengthen a splice site. In summary, the available evidence is currently insufficient to determine the role of this variant in disease. Therefore, it has been classified as a Variant of Uncertain Significance.

Ambry Genetics
Classification: Uncertain significance for Hereditary cancer-predisposing syndrome. Last evaluated: 2022-08-05. Review status: criteria provided, single submitter. Criteria: Ambry Variant Classification Scheme 2023. Collection method: clinical testing. Allele origin: germline.
Comment: The p.K529Q variant (also known as c.1585A>C), located in coding exon 13 of the BAP1 gene, results from an A to C substitution at nucleotide position 1585. The lysine at codon 529 is replaced by glutamine, an amino acid with similar properties. This amino acid position is conserved. In addition, this alteration is predicted to be tolerated by in silico analysis. Since supporting evidence is limited at this time, the clinical significance of this alteration remains unclear.